The following is an entry in ClinVar:

NM_001430.5(EPAS1):c.1194G>C (p.Glu398Asp)

Gene: EPAS1 (endothelial PAS domain protein 1; plus strand). Cytogenetic location: 2p21.
Variant type: single nucleotide variant.
Coding change: c.1194G>C on transcript NM_001430.5 (MANE Select); coding-DNA position 1194, G replaced by C.
Protein change: p.Glu398Asp; replaces glutamic acid 398 with aspartic acid.
Molecular consequence: missense variant.
Genome position (GRCh38, 1-based): chr2:46,376,698, G>C. VCF-style: chr2-46376698-G-C. GRCh37 (hg19) VCF-style: chr2-46603837-G-C.
Other names: short protein forms E398D.
Identifiers: ClinVar variation 3221527 (VCV003221527.1), dbSNP rs751637813, ClinGen allele CA346703392.

ClinVar aggregate classification (germline): Uncertain significance (1 of 4 stars; one submission).

Conditions:
Inborn genetic diseases. Identifiers: MedGen C0950123, MeSH D030342.

gnomAD v4.1: 2 of 1,613,598 alleles (0.00012%); highest among the groups gnomAD compares: Non-Finnish European, 0.00017%; no homozygotes.

Submission:

Ambry Genetics
Classification: Uncertain significance for Inborn genetic diseases. Last evaluated: 2024-02-10. Review status: criteria provided, single submitter. Criteria: Ambry Variant Classification Scheme 2023. Collection method: clinical testing. Allele origin: germline.
Comment: The p.E398D variant (also known as c.1194G>C), located in coding exon 9 of the EPAS1 gene, results from a G to C substitution at nucleotide position 1194. The glutamic acid at codon 398 is replaced by aspartic acid, an amino acid with highly similar properties. This amino acid position is conserved. In addition, this alteration is predicted to be tolerated by in silico analysis. Based on the available evidence, the clinical significance of this alteration remains unclear.